The following is an entry in ClinVar:

ClinVar aggregate classification (germline): Uncertain significance (1 of 4 stars; one submission).

Submission:

GeneDx
Classification: Uncertain significance. Last evaluated: 2019-12-12. Review status: criteria provided, single submitter. Criteria: GeneDx Variant Classification Process June 2021. Collection method: clinical testing. Allele origin: germline. Affected: yes.
Comment: Has not been previously published as pathogenic or benign to our knowledge; Not observed in large population cohorts (Lek et al., 2016); In silico analysis, which includes protein predictors and evolutionary conservation, supports a deleterious effect

NM_004612.4(TGFBR1):c.607A>G (p.Arg203Gly)

Gene: TGFBR1 (transforming growth factor beta receptor 1; plus strand). Cytogenetic location: 9q22.33.
Variant type: single nucleotide variant.
Coding change: c.607A>G on transcript NM_004612.4 (MANE Select); coding-DNA position 607, A replaced by G.
Protein change: p.Arg203Gly; replaces arginine 203 with glycine.
Molecular consequence: missense variant.
Genome position (GRCh38, 1-based): chr9:99,137,891, A>G. VCF-style: chr9-99137891-A-G. GRCh37 (hg19) VCF-style: chr9-101900173-A-G.
Other names: c.376A>G, p.Arg126Gly (NM_001130916.3); c.619A>G, p.Arg207Gly (NM_001306210.2); short protein forms R126G, R203G, R207G.
Identifiers: ClinVar variation 1311024 (VCV001311024.2), dbSNP rs2118709322, ClinGen allele CA374229409.